The following is an entry in ClinVar:

NM_206862.4(TACC2):c.7614C>T (p.Asp2538=)

Gene: TACC2 (transforming acidic coiled-coil containing protein 2; plus strand). Cytogenetic location: 10q26.13.
Variant type: single nucleotide variant.
Coding change: c.7614C>T on transcript NM_206862.4 (MANE Select); coding-DNA position 7614, C replaced by T.
Protein change: p.Asp2538=; no amino-acid change (aspartic acid 2538 retained).
Molecular consequence: synonymous variant.
Genome position (GRCh38, 1-based): chr10:122,226,371, C>T. VCF-style: chr10-122226371-C-T. GRCh37 (hg19) VCF-style: chr10-123985886-C-T.
Other names: c.7479C>T, p.Asp2493= (NM_001291876.2); c.7626C>T, p.Asp2542= (NM_001291877.2); c.1884C>T, p.Asp628= (NM_001291878.2); c.726C>T, p.Asp242= (NM_001291879.2); c.1848C>T, p.Asp616= (NM_006997.4, NM_206860.3); c.2052C>T, p.Asp684= (NM_206861.3).
Identifiers: ClinVar variation 2640899 (VCV002640899.24), dbSNP rs771056377, ClinGen allele CA5724125.

ClinVar aggregate classification (germline): Likely benign (1 of 4 stars; one submission).

Allele frequency attached by ClinVar (database versions not stated): gnomAD exomes below 0.00001; TOPMed below 0.00001; ExAC 0.00001; gnomAD 0.00001.
gnomAD v4.1: 4 of 1,613,170 alleles (0.00025%); highest among the groups gnomAD compares: Admixed American, 0.0017%; no homozygotes.

Submission:

CeGaT Center for Human Genetics Tuebingen
Classification: Likely benign. Last evaluated: 2022-04-01. Review status: criteria provided, single submitter. Criteria: CeGaT Center For Human Genetics Tuebingen Variant Classification Criteria Version 2. Collection method: clinical testing. Allele origin: germline. Affected: yes. Observed: 1 variant allele.
Comment: TACC2: BP4, BP7